The following is an entry in ClinVar:

ClinVar aggregate classification (germline): Uncertain significance (1 of 4 stars; one submission).

Conditions:
Hereditary cancer-predisposing syndrome. Also called: Neoplastic Syndromes, Hereditary; Tumor predisposition; Hereditary Cancer Syndrome; Hereditary neoplastic syndrome. Identifiers: Orphanet 140162, MedGen C0027672, MeSH D009386, MONDO:0015356.

Submission:

Ambry Genetics
Classification: Uncertain significance for Hereditary cancer-predisposing syndrome. Last evaluated: 2026-06-08. Review status: criteria provided, single submitter. Criteria: Ambry Variant Classification Scheme 2023. Collection method: clinical testing. Allele origin: germline.
Comment: The p.I1151L variant (also known as c.3451A>C), located in coding exon 24 of the SMARCA4 gene, results from an A to C substitution at nucleotide position 3451. The isoleucine at codon 1151 is replaced by leucine, an amino acid with highly similar properties. This amino acid position is conserved. In addition, the in silico prediction for this alteration is inconclusive. Based on the available evidence, the clinical significance of this variant remains unclear.

NM_003072.5(SMARCA4):c.3451A>C (p.Ile1151Leu)

Gene: SMARCA4 (SWI/SNF related BAF chromatin remodeling complex subunit ATPase 4; plus strand). Cytogenetic location: 19p13.2.
Variant type: single nucleotide variant.
Coding change: c.3451A>C on transcript NM_003072.5 (MANE Select); coding-DNA position 3451, A replaced by C.
Protein change: p.Ile1151Leu; replaces isoleucine 1151 with leucine.
Molecular consequence: missense variant. On other transcripts: non-coding transcript variant (1).
Genome position (GRCh38, 1-based): chr19:11,030,798, A>C. VCF-style: chr19-11030798-A-C. GRCh37 (hg19) VCF-style: chr19-11141474-A-C.
Other names: c.3451A>C, p.Ile1151Leu (NM_001128844.3, NM_001128845.2, NM_001128846.2 and 6 more transcripts); short protein forms I1151L.
Identifiers: ClinVar variation 4864802 (VCV004864802.1).